The following is an entry in ClinVar:

ClinVar aggregate classification (germline): Benign. Review status: reviewed by expert panel (3 of 4 stars). 4 submissions from 4 submitters: Benign (1). 3 of the submissions do not count toward it. Last evaluated 2024-05-09.

Conditions:
Early-infantile DEE. Also called: Ohtahara syndrome; Early infantile epileptic encephalopathy; Early infantile epileptic encephalopathy with suppression bursts. Identifiers: Orphanet 1934, MedGen C0393706, MONDO:0800491.
Complex neurodevelopmental disorder. Identifiers: Orphanet 528084, MedGen C5568766, MONDO:0100038.

Allele frequency attached by ClinVar (database versions not stated): TOPMed below 0.00001; ExAC 0.00001; gnomAD 0.00001; gnomAD exomes 0.00001.
gnomAD v4.1: 14 of 1,613,934 alleles (0.00087%); highest among the groups gnomAD compares: East Asian, 0.0089%; 1 homozygote.

Submissions (4):

ClinGen Epilepsy Sodium Channel Variant Curation Expert Panel, Clingen
Classification: Benign for Complex neurodevelopmental disorder. Last evaluated: 2024-05-09. Review status: reviewed by expert panel. Criteria: ClinGen EpilepsySCN ACMG Specifications SCN8A V1.0.0. Collection method: curation. Allele origin: germline. Inheritance: Autosomal dominant inheritance.
Comment: The c.4687A>G variant in SCN8A is a missense variant predicted to cause the substitution of isoleucine by valine at amino acid 1563 (p.Ile1563Val). The variant is present at a frequency of 0.000008674 (14 alleles) of the total population in gnomAD v4.0, which exceeds the threshold for BS1. Additionally, the variant was identified in 7 unaffected adults who were referred for clinical testing as part as trio exome analysis (internal data, GeneDx, July 2023). In summary, this variant meets the criteria for BENIGN for Autosomal Dominant Complex Neurodevelopmental Disorder based on the ACMG/AMP criteria applied, as specified by the ClinGen Epilepsy Sodium Channel VCEP (Version 1.0, approved 7/25/23): BS1, BS2

Labcorp Genetics (formerly Invitae), Labcorp
Classification: Uncertain significance for Early-infantile DEE. Last evaluated: 2025-01-11. Review status: criteria provided, single submitter. Criteria: Invitae Variant Classification Sherloc (09022015). Collection method: clinical testing. Allele origin: germline. Not counted in ClinVar's aggregate classification.
Comment: This sequence change replaces isoleucine, which is neutral and non-polar, with valine, which is neutral and non-polar, at codon 1563 of the SCN8A protein (p.Ile1563Val). This variant is present in population databases (rs751979396, gnomAD 0.0009%). This missense change has been observed in individual(s) with clinical features of SCN8A-related conditions (internal data). ClinVar contains an entry for this variant (Variation ID: 568706). Invitae Evidence Modeling of protein sequence and biophysical properties (such as structural, functional, and spatial information, amino acid conservation, physicochemical variation, residue mobility, and thermodynamic stability) indicates that this missense variant is not expected to disrupt SCN8A protein function with a negative predictive value of 95%. In summary, the available evidence is currently insufficient to determine the role of this variant in disease. Therefore, it has been classified as a Variant of Uncertain Significance.

Revvity Omics, Revvity
Classification: Uncertain significance. Last evaluated: 2021-06-23. Review status: criteria provided, single submitter. Criteria: ACMG Guidelines, 2015. Collection method: clinical testing. Allele origin: germline. Not counted in ClinVar's aggregate classification.

GeneDx
Classification: Likely benign. Last evaluated: 2020-10-01. Review status: criteria provided, single submitter. Criteria: GeneDx Variant Classification Process June 2021. Collection method: clinical testing. Allele origin: germline. Affected: yes. Not counted in ClinVar's aggregate classification.

NM_001330260.2(SCN8A):c.4687A>G (p.Ile1563Val)

Gene: SCN8A (sodium voltage-gated channel alpha subunit 8; plus strand). Cytogenetic location: 12q13.13.
Variant type: single nucleotide variant.
Coding change: c.4687A>G on transcript NM_001330260.2 (MANE Select); coding-DNA position 4687, A replaced by G.
Protein change: p.Ile1563Val; replaces isoleucine 1563 with valine.
Molecular consequence: missense variant.
Genome position (GRCh38, 1-based): chr12:51,794,533, A>G. VCF-style: chr12-51794533-A-G. GRCh37 (hg19) VCF-style: chr12-52188317-A-G.
Other names: NM_001330260.2(SCN8A):c.4687A>G; p.Ile1563Val; c.4564A>G, p.Ile1522Val (NM_001177984.3, NM_001369788.1); c.4687A>G, p.Ile1563Val (NM_014191.4); short protein forms I1563V, I1522V.
Identifiers: ClinVar variation 568706 (VCV000568706.18), dbSNP rs751979396, ClinGen allele CA6571849.